The following is an entry in ClinVar:

ClinVar aggregate classification (germline): Uncertain significance. Review status: criteria provided, multiple submitters, no conflicts (2 of 4 stars). 2 submissions from 2 submitters: Uncertain significance (2). Last evaluated 2026-01-26.

Conditions:
Oculofaciocardiodental syndrome (MCOPS2). Identifiers: Orphanet 2712, MedGen C1846265, MONDO:0010261, OMIM 300166.

Allele frequency attached by ClinVar (database versions not stated): ExAC 0.00001; gnomAD 0.00001; gnomAD exomes 0.00002; TOPMed 0.00003; ESP Exome Variant Server 0.00009.

Submissions (2):

Labcorp Genetics (formerly Invitae), Labcorp
Classification: Uncertain significance for Oculofaciocardiodental syndrome. Last evaluated: 2026-01-26. Review status: criteria provided, single submitter. Criteria: Invitae Variant Classification Sherloc (09022015). Collection method: clinical testing. Allele origin: germline.
Comment: This sequence change replaces arginine, which is basic and polar, with cysteine, which is neutral and slightly polar, at codon 861 of the BCOR protein (p.Arg861Cys). This variant is present in population databases (rs367736022, gnomAD 0.008%). This variant has not been reported in the literature in individuals affected with BCOR-related conditions. ClinVar contains an entry for this variant (Variation ID: 2660313). An algorithm developed to predict the effect of missense changes on protein structure and function (PolyPhen-2) suggests that this variant is likely to be disruptive. In summary, the available evidence is currently insufficient to determine the role of this variant in disease. Therefore, it has been classified as a Variant of Uncertain Significance.

CeGaT Center for Human Genetics Tuebingen
Classification: Uncertain significance. Last evaluated: 2022-03-01. Review status: criteria provided, single submitter. Criteria: CeGaT Center For Human Genetics Tuebingen Variant Classification Criteria Version 2. Collection method: clinical testing. Allele origin: germline. Affected: yes. Observed: 1 variant allele.

NM_001123385.2(BCOR):c.2581C>T (p.Arg861Cys)

Gene: BCOR (BCL6 corepressor; minus strand). Cytogenetic location: Xp11.4.
Variant type: single nucleotide variant.
Coding change: c.2581C>T on transcript NM_001123385.2 (MANE Select); coding-DNA position 2581, C replaced by T.
Protein change: p.Arg861Cys; replaces arginine 861 with cysteine.
Molecular consequence: missense variant.
Genome position (GRCh38, 1-based): chrX:40,072,765, G>A on the plus strand (C>T on the coding strand, the complement: BCOR is on the minus strand). VCF-style: chrX-40072765-G-A. GRCh37 (hg19) VCF-style: chrX-39932018-G-A.
Other names: c.2581C>T, p.Arg861Cys (NM_001123384.2, NM_017745.6, NM_001123383.2); short protein forms R861C.
Identifiers: ClinVar variation 2660313 (VCV002660313.25), dbSNP rs367736022, ClinGen allele CA10386769.